The following is an entry in ClinVar:

NM_000548.5(TSC2):c.3674A>G (p.Asn1225Ser)

Gene: TSC2 (TSC complex subunit 2; plus strand). Cytogenetic location: 16p13.3.
Variant type: single nucleotide variant.
Coding change: c.3674A>G on transcript NM_000548.5 (MANE Select); coding-DNA position 3674, A replaced by G.
Protein change: p.Asn1225Ser; replaces asparagine 1225 with serine.
Molecular consequence: missense variant.
Genome position (GRCh38, 1-based): chr16:2,081,658, A>G. VCF-style: chr16-2081658-A-G. GRCh37 (hg19) VCF-style: chr16-2131659-A-G.
Other names: c.3542A>G, p.Asn1181Ser (NM_001077183.3, NM_001370404.1); c.3674A>G, p.Asn1225Ser (NM_001114382.3); c.3434A>G, p.Asn1145Ser (NM_001318827.2); c.3398A>G, p.Asn1133Ser (NM_001318829.2); c.2942A>G, p.Asn981Ser (NM_001318831.2); c.3575A>G, p.Asn1192Ser (NM_001318832.2); c.3545A>G, p.Asn1182Ser (NM_001363528.2, NM_001370405.1, NM_021055.3); short protein forms N1133S, N1145S, N1181S, N1182S, N1192S, N1225S, N981S.
Identifiers: ClinVar variation 1018012 (VCV001018012.12), dbSNP rs1037743572, ClinGen allele CA276750042.

ClinVar aggregate classification (germline): Uncertain significance. Review status: criteria provided, multiple submitters, no conflicts (2 of 4 stars). 2 submissions from 2 submitters: Uncertain significance (2). Last evaluated 2025-09-16.

Conditions:
Hereditary cancer-predisposing syndrome. Also called: Tumor predisposition; Hereditary Cancer Syndrome; Neoplastic Syndromes, Hereditary; Hereditary neoplastic syndrome. Identifiers: Orphanet 140162, MedGen C0027672, MeSH D009386, MONDO:0015356.
Tuberous sclerosis 2 (TSC2). Identifiers: Orphanet 805, MedGen C1860707, MONDO:0013199, OMIM 613254.

Allele frequency attached by ClinVar (database versions not stated): TOPMed 0.00002.
gnomAD v4.1: 1 of 1,612,940 alleles (0.000062%); highest among the groups gnomAD compares: Non-Finnish European, 0.000085%; no homozygotes.

Submissions (2):

Labcorp Genetics (formerly Invitae), Labcorp
Classification: Uncertain significance for Tuberous sclerosis 2. Last evaluated: 2025-09-16. Review status: criteria provided, single submitter. Criteria: Invitae Variant Classification Sherloc (09022015). Collection method: clinical testing. Allele origin: germline.
Comment: This sequence change replaces asparagine, which is neutral and polar, with serine, which is neutral and polar, at codon 1225 of the TSC2 protein (p.Asn1225Ser). This variant is not present in population databases (gnomAD no frequency). This variant has not been reported in the literature in individuals affected with TSC2-related conditions. ClinVar contains an entry for this variant (Variation ID: 1018012). Invitae Evidence Modeling of protein sequence and biophysical properties (such as structural, functional, and spatial information, amino acid conservation, physicochemical variation, residue mobility, and thermodynamic stability) indicates that this missense variant is not expected to disrupt TSC2 protein function with a negative predictive value of 95%. In summary, the available evidence is currently insufficient to determine the role of this variant in disease. Therefore, it has been classified as a Variant of Uncertain Significance.

Ambry Genetics
Classification: Uncertain significance for Hereditary cancer-predisposing syndrome. Last evaluated: 2025-03-27. Review status: criteria provided, single submitter. Criteria: Ambry Variant Classification Scheme 2023. Collection method: clinical testing. Allele origin: germline.
Comment: The p.N1225S variant (also known as c.3674A>G), located in coding exon 30 of the TSC2 gene, results from an A to G substitution at nucleotide position 3674. The asparagine at codon 1225 is replaced by serine, an amino acid with highly similar properties. This amino acid position is well conserved in available vertebrate species. In addition, the in silico prediction for this alteration is inconclusive. Based on the available evidence, the clinical significance of this variant remains unclear.